The following is an entry in ClinVar:

ClinVar aggregate classification (germline): Uncertain significance. Review status: criteria provided, multiple submitters, no conflicts (2 of 4 stars). 2 submissions from 2 submitters: Uncertain significance (2). Last evaluated 2024-01-02.

Conditions:
Holoprosencephaly 13, X-linked. Identifiers: MedGen C5393308, MONDO:0026763, OMIM 301043.

Allele frequency attached by ClinVar (database versions not stated): gnomAD exomes 0.00001 and 0.00002; gnomAD 0.00002; TOPMed 0.00002.

Submissions (2):

Labcorp Genetics (formerly Invitae), Labcorp
Classification: Uncertain significance. Last evaluated: 2024-01-02. Review status: criteria provided, single submitter. Criteria: Invitae Variant Classification Sherloc (09022015). Collection method: clinical testing. Allele origin: germline.
Comment: This sequence change replaces methionine, which is neutral and non-polar, with valine, which is neutral and non-polar, at codon 1180 of the STAG2 protein (p.Met1180Val). This variant is present in population databases (no rsID available, gnomAD 0.006%). This variant has not been reported in the literature in individuals affected with STAG2-related conditions. ClinVar contains an entry for this variant (Variation ID: 1363782). Algorithms developed to predict the effect of missense changes on protein structure and function output the following: SIFT: "Not Available"; PolyPhen-2: "Benign"; Align-GVGD: "Not Available". The valine amino acid residue is found in multiple mammalian species, which suggests that this missense change does not adversely affect protein function. In summary, the available evidence is currently insufficient to determine the role of this variant in disease. Therefore, it has been classified as a Variant of Uncertain Significance.

Neuberg Centre For Genomic Medicine, NCGM
Classification: Uncertain significance for Holoprosencephaly 13, X-linked. Last evaluated: 2023-06-22. Review status: criteria provided, single submitter. Criteria: ACMG Guidelines, 2015. Collection method: clinical testing. Allele origin: germline. Inheritance: X-linked dominant inheritance. Affected: yes.
Comment: The missense variant c.3538A>G (p.Met1180Val) in STAG2 gene has not been reported previously as a pathogenic variant nor as a benign variant, to our knowledge. The p.Met1180Val variant is present with allele frequency of 0.001% in gnomAD exomes database. This variant has been submitted to the ClinVar database as Uncertain Significance. Multiple lines of computational evidence (Polyphen - benign, SIFT - tolerated and MutationTaster - disease causing) predicts conflicting evidence on protein structure and function for this variant. The reference amino acid at this position on STAG2 gene is predicted as conserved by GERP++ and PhyloP across 100 vertebrates. The amino acid Met at position 1180 is changed to a Val changing protein sequence and it might alter its composition and physico-chemical properties. For these reasons, this variant has been classified as Uncertain Significance (VUS).

NM_001042750.2(STAG2):c.3538A>G (p.Met1180Val)

Gene: STAG2 (STAG2 cohesin complex component; plus strand). Cytogenetic location: Xq25.
Variant type: single nucleotide variant.
Coding change: c.3538A>G on transcript NM_001042750.2 (MANE Select); coding-DNA position 3538, A replaced by G.
Protein change: p.Met1180Val; replaces methionine 1180 with valine.
Molecular consequence: missense variant. On other transcripts: intron variant (8).
Genome position (GRCh38, 1-based): chrX:124,090,924, A>G. VCF-style: chrX-124090924-A-G. GRCh37 (hg19) VCF-style: chrX-123224774-A-G.
Other names: c.3538A>G, p.Met1180Val (NM_001042749.2, NM_001375366.1, NM_001375367.1 and 5 more transcripts); c.3467+160A>G (NM_001375373.1, NM_001375374.1, NM_001282418.2 and 5 more transcripts); short protein forms M1180V.
Identifiers: ClinVar variation 1363782 (VCV001363782.9), dbSNP rs1407337528, ClinGen allele CA414282013.